The following is an entry in ClinVar:

NM_000038.6(APC):c.289G>T (p.Gly97Ter)

Gene: APC (APC regulator of Wnt signaling pathway; plus strand). Cytogenetic location: 5q22.2.
Variant type: single nucleotide variant.
Coding change: c.289G>T on transcript NM_000038.6 (MANE Select); coding-DNA position 289, G replaced by T.
Protein change: p.Gly97Ter; replaces glycine 97 with a stop codon.
Molecular consequence: nonsense. On other transcripts: 5 prime UTR variant (4), non-coding transcript variant (2).
Genome position (GRCh38, 1-based): chr5:112,767,257, G>T. VCF-style: chr5-112767257-G-T. GRCh37 (hg19) VCF-style: chr5-112102954-G-T.
Other names: c.289G>T, p.Gly97Ter (NM_001127510.3, NM_001354895.2, NM_001354896.2 and 16 more transcripts); c.319G>T, p.Gly107Ter (NM_001127511.3, NM_001354897.2, NM_001354902.2 and 1 more transcripts); c.214G>T, p.Gly72Ter (NM_001354898.2, NM_001354904.2, NM_001407451.1); c.112G>T, p.Gly38Ter (NM_001354900.2, NM_001354901.2, NM_001354905.2 and 1 more transcripts); c.-747G>T (NM_001354906.2, NM_001407470.1, NM_001407471.1 and 1 more transcripts); short protein forms G107*, G38*, G72*, G97*.
Identifiers: ClinVar variation 2584303 (VCV002584303.2), dbSNP rs2149788254, ClinGen allele CA16021963.

ClinVar aggregate classification (germline): Pathogenic (1 of 4 stars; one submission).

Conditions:
Familial adenomatous polyposis 1 (FAP1). Also called: FAMILIAL ADENOMATOUS POLYPOSIS 1, ATTENUATED; POLYPOSIS, ADENOMATOUS INTESTINAL. Identifiers: MedGen C2713442, MONDO:0021056, OMIM 175100. Disease mechanism: loss of function.

Submission:

Myriad Genetics, Inc.
Classification: Pathogenic for Familial adenomatous polyposis 1. Last evaluated: 2023-04-25. Review status: criteria provided, single submitter. Criteria: Myriad Autosomal Dominant, Autosomal Recessive and X-Linked Classification Criteria (2023). Collection method: clinical testing. Allele origin: unknown.
Comment: This variant is considered pathogenic. This variant creates a termination codon and is predicted to result in premature protein truncation.